The following is an entry in ClinVar:

ClinVar aggregate classification (germline): Conflicting classifications of pathogenicity. Review status: criteria provided, conflicting classifications (1 of 4 stars). 2 submissions from 2 submitters: Pathogenic (1); Uncertain significance (1). Last evaluated 2024-12-02.

Conditions:
MOGS-congenital disorder of glycosylation. Also called: CDG 2B; MOGS-CDG; CDG IIb; GLUCOSIDASE I DEFICIENCY. Identifiers: Orphanet 79330, MedGen C1853736, MONDO:0011629, OMIM 606056.

Allele frequency attached by ClinVar (database versions not stated): gnomAD exomes below 0.00001 and 0.00001; gnomAD 0.00001; TOPMed 0.00002.

Submissions (2):

Labcorp Genetics (formerly Invitae), Labcorp
Classification: Uncertain significance for MOGS-congenital disorder of glycosylation. Last evaluated: 2024-12-02. Review status: criteria provided, single submitter. Criteria: Invitae Variant Classification Sherloc (09022015). Collection method: clinical testing. Allele origin: germline.
Comment: This sequence change creates a premature translational stop signal (p.Glu622*) in the MOGS gene. While this is not anticipated to result in nonsense mediated decay, it is expected to disrupt the last 216 amino acid(s) of the MOGS protein. This variant is present in population databases (no rsID available, gnomAD 0.002%). This variant has not been reported in the literature in individuals affected with MOGS-related conditions. ClinVar contains an entry for this variant (Variation ID: 807445). Experimental studies and prediction algorithms are not available or were not evaluated, and the functional significance of this variant is currently unknown. This variant disrupts the C-terminus of the MOGS protein. Other variant(s) that disrupt this region (p.Arg700*) have been observed in individuals with MOGS-related conditions (PMID: 35790351). This suggests that this may be a clinically significant region of the protein. In summary, the available evidence is currently insufficient to determine the role of this variant in disease. Therefore, it has been classified as a Variant of Uncertain Significance.

Institute of Human Genetics Munich, TUM University Hospital
Classification: Pathogenic for MOGS-congenital disorder of glycosylation. Last evaluated: 2018-11-21. Review status: criteria provided, single submitter. Criteria: Classification criteria August 2017. Collection method: clinical testing. Allele origin: maternal. Inheritance: Autosomal recessive inheritance. Affected: yes. Observed: 1 compound heterozygote.

Literature cited by the submitters: PubMed 35790351 (cited by Labcorp Genetics (formerly Invitae), Labcorp).

NM_006302.3(MOGS):c.1862dup (p.Ala621_Glu622insTer)

Gene: MOGS (mannosyl-oligosaccharide glucosidase; minus strand). Cytogenetic location: 2p13.1.
Variant type: Duplication.
Coding change: c.1862dup on transcript NM_006302.3 (MANE Select); coding-DNA position 1862, one base duplicated (C; older notation c.1862dupC).
Protein change: p.Ala621_Glu622insTer.
Molecular consequence: frameshift variant.
Genome position (GRCh38, 1-based): chr2:74,461,927, G duplicated on the plus strand (C on the coding strand, the reverse complement: MOGS is on the minus strand). VCF-style (leftmost placement, unchanged base first): chr2-74461926-A-AG. GRCh37 (hg19) VCF-style: chr2-74689053-A-AG.
Other names: c.1544dup, p.Ala515_Glu516insTer (NM_001146158.2).
Identifiers: ClinVar variation 807445 (VCV000807445.6), dbSNP rs1399649784, ClinGen allele CA534127517.